The following is an entry in ClinVar:

NM_021100.5(NFS1):c.408+1631C>T

Gene: NFS1 (NFS1 cysteine desulfurase; minus strand). Cytogenetic location: 20q11.22.
Variant type: single nucleotide variant.
Coding change: c.408+1631C>T on transcript NM_021100.5 (MANE Select); 1631 bases into the intron after coding-DNA position 408, C replaced by T.
Molecular consequence: intron variant.
Genome position (GRCh38, 1-based): chr20:35,694,746, G>A on the plus strand (C>T on the coding strand, the complement: NFS1 is on the minus strand). VCF-style: chr20-35694746-G-A. GRCh37 (hg19) VCF-style: chr20-34282668-G-A.
Other names: c.408+1631C>T (NM_001198989.2).
Identifiers: ClinVar variation 3389464 (VCV003389464.14).

ClinVar aggregate classification (germline): Likely benign (1 of 4 stars; one submission).

Submission:

CeGaT Center for Human Genetics Tuebingen
Classification: Likely benign. Last evaluated: 2024-11-01. Review status: criteria provided, single submitter. Criteria: CeGaT Center For Human Genetics Tuebingen Variant Classification Criteria Version 2. Collection method: clinical testing. Allele origin: germline. Affected: yes. Observed: 1 variant allele.
Comment: NFS1: BP4